The following is an entry in ClinVar:

NM_005634.3(SOX3):c.672C>G (p.Ser224=)

Gene: SOX3 (SRY-box transcription factor 3; minus strand). Cytogenetic location: Xq27.1.
Variant type: single nucleotide variant.
Coding change: c.672C>G on transcript NM_005634.3 (MANE Select); coding-DNA position 672, C replaced by G.
Protein change: p.Ser224=; no amino-acid change (serine 224 retained).
Molecular consequence: synonymous variant.
Genome position (GRCh38, 1-based): chrX:140,504,389, G>C on the plus strand (C>G on the coding strand, the complement: SOX3 is on the minus strand). VCF-style: chrX-140504389-G-C. GRCh37 (hg19) VCF-style: chrX-139586554-G-C.
Other names: c.672C>G (NM_005634.2).
Identifiers: ClinVar variation 1595728 (VCV001595728.11), dbSNP rs151310978, ClinGen allele CA10531636.
Genomic context (GRCh38, chrX:140,504,389, plus strand): 5'-TGCGGCCGCGGCAGCGGCGGCGGCGGCCGCGGCACCGGGAGGCAGGAGGCCGCTGGGCAG[G>C]GAGTACTTATCTTTCTTGAGCAGCGTCTTGGTCTTGCGGCGCGGTCGGTACTTGTAGTCC-3'
Protein context (NP_005625.2, residues 214-234): TKTLLKKDKY[Ser224=]LPSGLLPPGA

ClinVar aggregate classification (germline): Likely benign. Review status: criteria provided, multiple submitters, no conflicts (2 of 4 stars). 3 submissions from 3 submitters: Likely benign (2). 1 of the submissions does not count toward it. Last evaluated 2024-10-01.

Conditions:
SOX3-related disorder. Also called: SOX3-Related Disorders; SOX3-related condition.

Allele frequency attached by ClinVar (database versions not stated): TOPMed 0.00003; gnomAD 0.00005 and 0.00006; ESP Exome Variant Server 0.00028.
gnomAD v4.1: 66 of 1,208,518 alleles (0.0055%); highest among the groups gnomAD compares: Non-Finnish European, 0.0072%; no homozygotes.

Submissions (3):

Blueprint Genetics
Classification: Likely benign. Last evaluated: 2024-10-01. Review status: criteria provided, single submitter. Criteria: ACMG Guidelines, 2015. Collection method: clinical testing. Allele origin: germline.

Labcorp Genetics (formerly Invitae), Labcorp
Classification: Likely benign. Last evaluated: 2023-03-10. Review status: criteria provided, single submitter. Criteria: Invitae Variant Classification Sherloc (09022015). Collection method: clinical testing. Allele origin: germline.

PreventionGenetics, part of Exact Sciences
Classification: Likely benign for SOX3-related condition. Last evaluated: 2023-05-11. Review status: no assertion criteria provided. Collection method: clinical testing. Allele origin: germline. Not counted in ClinVar's aggregate classification.
Comment: This variant is classified as likely benign based on ACMG/AMP sequence variant interpretation guidelines (Richards et al. 2015 PMID: 25741868, with internal and published modifications).